The following is an entry in ClinVar:

NM_000536.4(RAG2):c.1403_1406del (p.His468fs)

Gene: RAG2 (recombination activating 2; minus strand). Cytogenetic location: 11p12.
Variant type: Deletion.
Coding change: c.1403_1406del on transcript NM_000536.4 (MANE Select); coding-DNA positions 1403 to 1406, 4 bases deleted (ATCT; older notation c.1403_1406delATCT).
Protein change: p.His468fs; shifts the reading frame from histidine 468.
Molecular consequence: frameshift variant.
Genome position (GRCh38, 1-based): chr11:36,592,763-36,592,766, AGAT deleted on the plus strand (ATCT on the coding strand, the reverse complement: RAG2 is on the minus strand). VCF-style (leftmost placement, unchanged base first): chr11-36592762-CAGAT-C. GRCh37 (hg19) VCF-style: chr11-36614312-CAGAT-C.
Other names: c.1403_1406del, p.His468fs (NM_001243785.2, NM_001243786.2); short protein forms H468fs.
Identifiers: ClinVar variation 191271 (VCV000191271.9), dbSNP rs786205616, ClinGen allele CA236386.

ClinVar aggregate classification (germline): Pathogenic/Likely pathogenic. Review status: criteria provided, multiple submitters, no conflicts (2 of 4 stars). 4 submissions from 4 submitters: Pathogenic (2); Likely pathogenic (2). Last evaluated 2024-07-11.

Conditions:
Combined immunodeficiency with skin granulomas. Identifiers: Orphanet 157949, MedGen C2673536, MONDO:0009306, OMIM 233650.
Severe combined immunodeficiency, autosomal recessive, T cell-negative, B cell-negative, NK cell-positive. Also called: Severe combined immunodeficiency due to complete RAG1/2 deficiency; SCID, AR, T-cell negative, B-cell negative, NK cell-positive; SCID, T CELL-NEGATIVE, B CELL-NEGATIVE, NK CELL-POSITIVE. Identifiers: Orphanet 331206, MedGen C1832322, MONDO:0011086, OMIM 601457.
Histiocytic medullary reticulosis. Also called: SEVERE COMBINED IMMUNODEFICIENCY WITH HYPEREOSINOPHILIA; Omenn syndrome. Identifiers: Orphanet 39041, MedGen C2700553, MONDO:0011338, OMIM 603554.

Allele frequency attached by ClinVar (database versions not stated): gnomAD exomes below 0.00001.

Submissions (4):

Labcorp Genetics (formerly Invitae), Labcorp
Classification: Pathogenic for Combined immunodeficiency with skin granulomas; Severe combined immunodeficiency, autosomal recessive, T cell-negative, B cell-negative, NK cell-positive. Last evaluated: 2024-07-11. Review status: criteria provided, single submitter. Criteria: Invitae Variant Classification Sherloc (09022015). Collection method: clinical testing. Allele origin: germline.
Comment: This sequence change creates a premature translational stop signal (p.His468Argfs*16) in the RAG2 gene. While this is not anticipated to result in nonsense mediated decay, it is expected to disrupt the last 60 amino acid(s) of the RAG2 protein. This variant is not present in population databases (gnomAD no frequency). This premature translational stop signal has been observed in individual(s) with severe combined deficiency (PMID: 26915675). ClinVar contains an entry for this variant (Variation ID: 191271). This variant disrupts a region of the RAG2 protein in which other variant(s) (p.Glu480*) have been determined to be pathogenic (PMID: 21624848, 29772310). This suggests that this is a clinically significant region of the protein, and that variants that disrupt it are likely to be disease-causing. For these reasons, this variant has been classified as Pathogenic.

Natera, Inc.
Classification: Likely pathogenic for Omenn syndrome. Last evaluated: 2024-03-06. Review status: criteria provided, single submitter. Criteria: Natera Variant Classification Schema (03/2026). Collection method: clinical testing. Allele origin: germline.
Comment: The c.1403_1406delATCT variant in RAG2 is a frameshift variant predicted to shift the reading frame beginning at codon 468 and leads to a stop codon 16 codons downstream. This variant is expected to result in nonsense mediated decay, truncation, or a dysfunctional protein product. This variant is rare in the general population with a frequency below the threshold expected for the associated phenotype(s). This variant has been observed in one or more individuals affected with the associated recessive disease, as either homozygous or compound heterozygous with a second variant (PMID: 26915675, 32655540, 31031743). Given the available evidence, this variant is classified as Likely Pathogenic.

Baylor Genetics
Classification: Pathogenic for Combined immunodeficiency with skin granulomas. Last evaluated: 2023-05-16. Review status: criteria provided, single submitter. Criteria: ACMG Guidelines, 2015. Collection method: clinical testing. Allele origin: unknown.

Genomic Medicine Center of Excellence, King Faisal Specialist Hospital and Research Centre
Classification: Likely pathogenic. Review status: criteria provided, single submitter. Criteria: ACMG Guidelines, 2015. Collection method: research. Allele origin: germline. Affected: yes.

Literature cited by the submitters: PubMed 26915675 (cited by Labcorp Genetics (formerly Invitae), Labcorp and Natera, Inc.); PubMed 21624848 (cited by Labcorp Genetics (formerly Invitae), Labcorp); PubMed 29772310 (cited by Labcorp Genetics (formerly Invitae), Labcorp); PubMed 32655540 (cited by Natera, Inc.); PubMed 31031743 (cited by Natera, Inc.).